The following is an entry in ClinVar:

NM_004415.4(DSP):c.4787A>G (p.Glu1596Gly)

Gene: DSP (desmoplakin; plus strand). Cytogenetic location: 6p24.3.
Variant type: single nucleotide variant.
Coding change: c.4787A>G on transcript NM_004415.4 (MANE Select); coding-DNA position 4787, A replaced by G.
Protein change: p.Glu1596Gly; replaces glutamic acid 1596 with glycine.
Molecular consequence: missense variant. On other transcripts: intron variant (2).
Genome position (GRCh38, 1-based): chr6:7,580,977, A>G. VCF-style: chr6-7580977-A-G. GRCh37 (hg19) VCF-style: chr6-7581210-A-G.
Other names: c.4050+737A>G (NM_001319034.2); c.3582+1205A>G (NM_001008844.3); short protein forms E1596G.
Identifiers: ClinVar variation 1172010 (VCV001172010.6), dbSNP rs2113694907, ClinGen allele CA362687156.

ClinVar aggregate classification (germline): Uncertain significance. Review status: criteria provided, multiple submitters, no conflicts (2 of 4 stars). 2 submissions from 2 submitters: Uncertain significance (2). Last evaluated 2024-03-06.

Conditions:
Cardiomyopathy (CMYO). Also called: Cardiomyopathies. Identifiers: Orphanet 167848, MedGen C0878544, MONDO:0004994, HP:0001638. Inheritance: Various modes of inheritance.
Arrhythmogenic cardiomyopathy with wooly hair and keratoderma. Also called: Dilated cardiomyopathy with woolly hair and keratoderma; PALMOPLANTAR KERATODERMA WITH LEFT VENTRICULAR CARDIOMYOPATHY AND WOOLLY HAIR; Carvajal syndrome; Arrhythmogenic cardiomyopathy with woolly hair and keratoderma. Identifiers: Orphanet 65282, MedGen C1854063, MONDO:0011581, OMIM 605676.

Submissions (2):

Color Diagnostics, LLC DBA Color Health
Classification: Uncertain significance for Cardiomyopathy. Last evaluated: 2024-03-06. Review status: criteria provided, single submitter. Criteria: ACMG Guidelines, 2015. Collection method: clinical testing. Allele origin: germline.
Comment: This missense variant replaces glutamic acid with glycine at codon 1596 of the DSP protein. Computational prediction suggests that this variant may not impact protein structure and function (internally defined REVEL score threshold <= 0.5, PMID: 27666373). To our knowledge, functional studies have not been reported for this variant. This variant has not been reported in individuals affected with cardiovascular disorders in the literature. This variant has not been identified in the general population by the Genome Aggregation Database (gnomAD). The available evidence is insufficient to determine the role of this variant in disease conclusively. Therefore, this variant is classified as a Variant of Uncertain Significance.

All of Us Research Program, National Institutes of Health
Classification: Uncertain significance for Arrhythmogenic cardiomyopathy with wooly hair and keratoderma. Last evaluated: 2023-12-18. Review status: criteria provided, single submitter. Criteria: ACMG Guidelines, 2015. Collection method: clinical testing. Allele origin: germline. Inheritance: Autosomal dominant inheritance. Observed: 1 variant allele, 1 heterozygote.
Comment: This missense variant replaces glutamic acid with glycine at codon 1596 of the DSP protein. Computational prediction suggests that this variant may not impact protein structure and function (internally defined REVEL score threshold <= 0.5, PMID: 27666373). To our knowledge, functional studies have not been reported for this variant. This variant has not been reported in individuals affected with cardiovascular disorders in the literature. This variant has not been identified in the general population by the Genome Aggregation Database (gnomAD). The available evidence is insufficient to determine the role of this variant in disease conclusively. Therefore, this variant is classified as a Variant of Uncertain Significance.

This study involves interpretation of variants in research participants for the purpose of population health screening. Participant phenotype was not available at the time of variant classification. Additional details can be found in publication PMID: 35346344, PMCID: PMC8962531